The following is an entry in ClinVar:

NM_000179.3(MSH6):c.1634_1635del (p.Lys545fs)

Gene: MSH6 (mutS homolog 6; plus strand). Cytogenetic location: 2p16.3.
Variant type: Deletion.
Coding change: c.1634_1635del on transcript NM_000179.3 (MANE Select); coding-DNA positions 1634 to 1635, 2 bases deleted (AA; older notation c.1634_1635delAA).
Protein change: p.Lys545fs; shifts the reading frame from lysine 545.
Molecular consequence: frameshift variant.
Genome position (GRCh38, 1-based): chr2:47,799,617-47,799,618, AA deleted; deleting any 2 consecutive bases within chr2:47,799,614-47,799,618 gives the same sequence; the c. name uses the placement nearest the transcript's 3' end. VCF-style (leftmost placement, unchanged base first): chr2-47799613-GAA-G. GRCh37 (hg19) VCF-style: chr2-48026752-GAA-G.
Other names: c.1634_1635delAA (NM_000179.2); c.1244_1245del, p.Lys415fs (NM_001281492.2); c.728_729del, p.Lys243fs (NM_001281493.2, NM_001281494.2); short protein forms K243fs, K545fs, K415fs.
Identifiers: ClinVar variation 140961 (VCV000140961.42), dbSNP rs267608064, ClinGen allele CA008960.

ClinVar aggregate classification (germline): Pathogenic/Likely pathogenic. Review status: criteria provided, multiple submitters, no conflicts (2 of 4 stars). 12 submissions from 12 submitters: Pathogenic (11); Likely pathogenic (1). Last evaluated 2026-05-10.

Conditions:
MSH6-related disorder. Also called: MSH6-Related disorders; MSH6-related condition.
Hereditary nonpolyposis colorectal neoplasms. Identifiers: MedGen C0009405, MeSH D003123.
Hereditary cancer-predisposing syndrome. Also called: Tumor predisposition; Neoplastic Syndromes, Hereditary; Hereditary neoplastic syndrome; Hereditary Cancer Syndrome. Identifiers: Orphanet 140162, MedGen C0027672, MeSH D009386, MONDO:0015356.
Lynch syndrome. Identifiers: Orphanet 144, MedGen C4552100, MONDO:0005835. Disease mechanism: loss of function.
Lynch syndrome 5 (LYNCH5). Also called: Colorectal cancer, hereditary nonpolyposis, type 5; Hereditary non-polyposis colorectal cancer, type 5. Identifiers: Orphanet 144, MedGen C1833477, MONDO:0013710, OMIM 614350. Disease mechanism: loss of function.
Endometrial carcinoma. Also called: Endometrial carcinoma, somatic. Identifiers: MedGen C0476089, MONDO:0002447, OMIM 608089, HP:0012114.

Submissions (12):

PreventionGenetics, part of Exact Sciences
Classification: Pathogenic for MSH6-related condition. Last evaluated: 2026-05-10. Review status: criteria provided, single submitter. Criteria: ACMG Guidelines, 2015. Collection method: clinical testing. Allele origin: germline.
Comment: The MSH6 c.1634_1635delAA variant is predicted to result in a frameshift and premature protein termination (p.Lys545Argfs*17). This variant has been reported in a cohort of individuals with suspected Lynch syndrome (Table S1, Yurgelun et al. 2015. PubMed ID: 25980754) and in individuals with colon cancer (Table S1, Susswein et al. 2015. PubMed ID: 26681312), ovarian cancer (Table S7, Lilyquist et al. 2017. PubMed ID: 28888541), endometrial cancer (Supp. 1, Ring et al. 2016. PubMed ID: 27443514) and myelodysplastic syndrome (Feurstein et al. 2022. PubMed ID: 35969835). This variant has not been reported in a large population database (gnomAD), indicating this variant is rare. This variant is interpreted as likely pathogenic/pathogenic in ClinVar (Variation ID: 140961). Frameshift variants in MSH6 are expected to be pathogenic. This variant is interpreted as pathogenic.

Labcorp Genetics (formerly Invitae), Labcorp
Classification: Pathogenic for Hereditary nonpolyposis colorectal neoplasms. Last evaluated: 2025-11-05. Review status: criteria provided, single submitter. Criteria: Invitae Variant Classification Sherloc (09022015). Collection method: clinical testing. Allele origin: germline.
Comment: This sequence change creates a premature translational stop signal (p.Lys545Argfs*17) in the MSH6 gene. It is expected to result in an absent or disrupted protein product. Loss-of-function variants in MSH6 are known to be pathogenic (PMID: 18269114, 24362816). This variant is not present in population databases (gnomAD no frequency). This premature translational stop signal has been observed in individual(s) with colorectal cancer and lymphoblastic lymphoma (PMID: 19194194, 26681312). Invitae Evidence Modeling of clinical and family history, age, sex, and reported ancestry of multiple individuals with this MSH6 variant has been performed. This variant is expected to be pathogenic with a positive predictive value of at least 99%. This is a validated machine learning model that incorporates the clinical features of 1,627,235 individuals referred to our laboratory for MSH6 testing. ClinVar contains an entry for this variant (Variation ID: 140961). For these reasons, this variant has been classified as Pathogenic.

Mayo Clinic Laboratories, Mayo Clinic
Classification: Pathogenic. Last evaluated: 2025-10-17. Review status: criteria provided, single submitter. Criteria: ACMG Guidelines, 2015. Collection method: clinical testing. Allele origin: germline. Observed: 2 variant alleles.
Comment: PP4, PM2_supporting, PM3, PVS1

Ambry Genetics
Classification: Pathogenic for Hereditary cancer-predisposing syndrome. Last evaluated: 2024-10-17. Review status: criteria provided, single submitter. Criteria: Ambry Variant Classification Scheme 2023. Collection method: clinical testing. Allele origin: germline.
Comment: The c.1634_1635delAA pathogenic mutation, located in coding exon 4 of the MSH6 gene, results from a deletion of two nucleotides at nucleotide positions 1634 to 1635, causing a translational frameshift with a predicted alternate stop codon (p.K545Rfs*17). This variant has been identified in the homozygous state and/or in conjunction with other MSH6 variant(s) in individual(s) who met clinical criteria for constitutional mismatch repair deficiency (CMMR-D) syndrome (Peters A et al. J. Pediatr. Hematol. Oncol. 2009 Feb;31(2):113-5). This variant is considered to be rare based on population cohorts in the Genome Aggregation Database (gnomAD). In addition to the clinical data presented in the literature, this alteration is expected to result in loss of function by premature protein truncation or nonsense-mediated mRNA decay. As such, this alteration is interpreted as a disease-causing mutation.

All of Us Research Program, National Institutes of Health
Classification: Pathogenic for Lynch syndrome. Last evaluated: 2024-09-16. Review status: criteria provided, single submitter. Criteria: ACMG Guidelines, 2015. Collection method: clinical testing. Allele origin: germline. Inheritance: Autosomal dominant inheritance. Observed: 2 variant alleles, 2 heterozygotes.
Comment: This variant deletes 2 nucleotides in exon 4 of the MSH6 gene, creating a frameshift and premature translation stop signal. This variant is expected to result in an absent or non-functional protein product. This variant has been observed in individuals affected with colorectal cancer (PMID: 26681312), endometrial cancer (PMID: 27443514), and suspected of Lynch syndrome (PMID: 25980754 ). This variant has not been identified in the general population by the Genome Aggregation Database (gnomAD). Loss of MSH6 function is a known mechanism of disease. Based on the available evidence, this variant is classified as Pathogenic.

This study involves interpretation of variants in research participants for the purpose of population health screening. Participant phenotype was not available at the time of variant classification. Additional details can be found in publication PMID: 35346344, PMCID: PMC8962531

Color Diagnostics, LLC DBA Color Health
Classification: Pathogenic for Hereditary cancer-predisposing syndrome. Last evaluated: 2024-08-07. Review status: criteria provided, single submitter. Criteria: ACMG Guidelines, 2015. Collection method: clinical testing. Allele origin: germline.
Comment: This variant deletes 2 nucleotides in exon 4 of the MSH6 gene, creating a frameshift and premature translation stop signal. This variant is expected to result in an absent or non-functional protein product. This variant has been observed in individuals affected with colorectal cancer (PMID: 26681312), endometrial cancer (PMID: 27443514), and suspected of Lynch syndrome (PMID: 25980754 ). This variant has not been identified in the general population by the Genome Aggregation Database (gnomAD). Loss of MSH6 function is a known mechanism of disease. Based on the available evidence, this variant is classified as Pathogenic.

Quest Diagnostics Nichols Institute San Juan Capistrano
Classification: Pathogenic. Last evaluated: 2024-06-10. Review status: criteria provided, single submitter. Criteria: Quest Diagnostics criteria. Collection method: clinical testing. Allele origin: unknown.
Comment: The MSH6 c.1634_1635del (p.Lys545Argfs*17) variant alters the translational reading frame of the MSH6 mRNA and causes the premature termination of MSH6 protein synthesis. This variant has been reported in the published literature in individuals affected with suspected Lynch syndrome (PMID: 25980754 (2015)), colorectal cancer (PMID: 26681312 (2015)), endometrial cancer (PMID: 27443514 (2016)), ovarian cancer (PMID: 28888541 (2017)), and myelodysplastic syndrome (MDS) (PMID: 35969835 (2022)). This variant has also been reported in a pediatric individual with lymphoblastic lymphoma in a compound heterozygous state with another MSH6 variant (PMID: 19194194 (2009)). The frequency of this variant in the general population, 0.000013 (2/152134 chromosomes (Genome Aggregation Database)), is consistent with pathogenicity. Based on the available information, this variant is classified as pathogenic.

Laboratory for Molecular Medicine, Mass General Brigham Personalized Medicine
Classification: Pathogenic for Lynch syndrome. Last evaluated: 2024-03-21. Review status: criteria provided, single submitter. Criteria: ACMG Guidelines, 2015. Collection method: clinical testing. Allele origin: germline.
Comment: proposed classification - variant undergoing re-assessment, contact laboratory

Baylor Genetics
Classification: Pathogenic for Endometrial carcinoma. Last evaluated: 2023-11-22. Review status: criteria provided, single submitter. Criteria: ACMG Guidelines, 2015. Collection method: clinical testing. Allele origin: unknown.

Myriad Genetics, Inc.
Classification: Pathogenic for Lynch syndrome 5. Last evaluated: 2023-08-15. Review status: criteria provided, single submitter. Criteria: Myriad Autosomal Dominant, Autosomal Recessive and X-Linked Classification Criteria (2023). Collection method: clinical testing. Allele origin: unknown.
Comment: This variant is considered pathogenic. This variant creates a frameshift predicted to result in premature protein truncation.

GeneDx
Classification: Pathogenic. Last evaluated: 2022-09-07. Review status: criteria provided, single submitter. Criteria: GeneDx Variant Classification Process June 2021. Collection method: clinical testing. Allele origin: germline. Affected: yes.
Comment: Frameshift variant predicted to result in protein truncation or nonsense mediated decay in a gene for which loss-of-function is a known mechanism of disease; Not observed in large population cohorts (gnomAD); Truncating variants in this gene are considered pathogenic by a well-established clinical consortium and/or database; Observed in individuals with Lynch syndrome-associated cancer and/or colon polyps (Yurgelun et al., 2015; Ring et al., 2016); This variant is associated with the following publications: (PMID: 28888541, 26681312, 21674763, 28152038, 25980754, 27443514, 30787465, 33087929, 19194194)

Mendelics
Classification: Likely pathogenic for Lynch syndrome 5. Last evaluated: 2019-05-28. Review status: criteria provided, single submitter. Criteria: Mendelics Assertion Criteria 2017. Collection method: clinical testing. Allele origin: unknown.

Literature cited by the submitters: PubMed 18269114 (cited by Labcorp Genetics (formerly Invitae), Labcorp); PubMed 24362816 (cited by Labcorp Genetics (formerly Invitae), Labcorp); PubMed 19194194 (cited by 7 submitters); PubMed 26681312 (cited by 6 submitters); PubMed 25980754 (cited by 4 submitters); PubMed 37307877 (cited by Mayo Clinic Laboratories, Mayo Clinic); PubMed 27443514 (cited by 3 submitters); PubMed 28888541 (cited by Quest Diagnostics Nichols Institute San Juan Capistrano); PubMed 35969835 (cited by Quest Diagnostics Nichols Institute San Juan Capistrano); PubMed 21674763 (cited by Quest Diagnostics Nichols Institute San Juan Capistrano); PubMed 32820175 (cited by Quest Diagnostics Nichols Institute San Juan Capistrano).